The following is an entry in ClinVar:

ClinVar aggregate classification (germline): Likely benign (1 of 4 stars; one submission).

Allele frequency attached by ClinVar (database versions not stated): 1000 Genomes Project 0.00120; 1000 Genomes Project 30x 0.00141; gnomAD 0.00185 and 0.00196; TOPMed 0.00213.

Submission:

GeneDx
Classification: Likely benign. Last evaluated: 2017-09-26. Review status: criteria provided, single submitter. Criteria: GeneDx Variant Classification (06012015). Collection method: clinical testing. Allele origin: germline. Affected: yes.
Comment: This variant is considered likely benign or benign based on one or more of the following criteria: it is a conservative change, it occurs at a poorly conserved position in the protein, it is predicted to be benign by multiple in silico algorithms, and/or has population frequency not consistent with disease.

NM_003282.4(TNNI2):c.-23+14C>T

Gene: TNNI2 (troponin I2, fast skeletal type; plus strand). Cytogenetic location: 11p15.5.
Variant type: single nucleotide variant.
Coding change: c.-23+14C>T on transcript NM_003282.4 (MANE Select); 14 bases into the intron after 23 bases upstream of the start codon, C replaced by T.
Molecular consequence: intron variant.
Genome position (GRCh38, 1-based): chr11:1,839,047, C>T. VCF-style: chr11-1839047-C-T. GRCh37 (hg19) VCF-style: chr11-1860277-C-T.
Identifiers: ClinVar variation 388967 (VCV000388967.1), dbSNP rs180814630, ClinGen allele CA16606289.